The following is an entry in ClinVar:

NM_002900.3(RBP3):c.2257G>A (p.Glu753Lys)

Gene: RBP3 (retinol binding protein 3; plus strand). Cytogenetic location: 10q11.22.
Variant type: single nucleotide variant.
Coding change: c.2257G>A on transcript NM_002900.3 (MANE Select); coding-DNA position 2257, G replaced by A.
Protein change: p.Glu753Lys; replaces glutamic acid 753 with lysine.
Molecular consequence: missense variant.
Genome position (GRCh38, 1-based): chr10:47,350,741, G>A. VCF-style: chr10-47350741-G-A. GRCh37 (hg19) VCF-style: chr10-48388621-C-T.
Other names: short protein forms E753K.
Identifiers: ClinVar variation 1001092 (VCV001001092.8), dbSNP rs1836956706, ClinGen allele CA376672655.

ClinVar aggregate classification (germline): Uncertain significance (1 of 4 stars; one submission).

Allele frequency attached by ClinVar (database versions not stated): gnomAD exomes below 0.00001.

Submission:

Labcorp Genetics (formerly Invitae), Labcorp
Classification: Uncertain significance. Last evaluated: 2021-12-30. Review status: criteria provided, single submitter. Criteria: Invitae Variant Classification Sherloc (09022015). Collection method: clinical testing. Allele origin: germline.
Comment: In summary, the available evidence is currently insufficient to determine the role of this variant in disease. Therefore, it has been classified as a Variant of Uncertain Significance. Algorithms developed to predict the effect of missense changes on protein structure and function are either unavailable or do not agree on the potential impact of this missense change (SIFT: "Deleterious"; PolyPhen-2: "Possibly Damaging"; Align-GVGD: "Class C0"). ClinVar contains an entry for this variant (Variation ID: 1001092). This variant has not been reported in the literature in individuals affected with RBP3-related conditions. This variant is not present in population databases (gnomAD no frequency). This sequence change replaces glutamic acid, which is acidic and polar, with lysine, which is basic and polar, at codon 753 of the RBP3 protein (p.Glu753Lys).